The following is an entry in ClinVar:

ClinVar aggregate classification (germline): Uncertain significance (1 of 4 stars; one submission).

Conditions:
Hereditary cancer-predisposing syndrome. Also called: Tumor predisposition; Hereditary neoplastic syndrome; Hereditary Cancer Syndrome; Neoplastic Syndromes, Hereditary. Identifiers: Orphanet 140162, MedGen C0027672, MeSH D009386, MONDO:0015356.

Submission:

Ambry Genetics
Classification: Uncertain significance for Hereditary cancer-predisposing syndrome. Last evaluated: 2024-12-12. Review status: criteria provided, single submitter. Criteria: Ambry Variant Classification Scheme 2023. Collection method: clinical testing. Allele origin: germline.
Comment: The c.135_148del14insGT variant (also known as p.T46_P50delinsS), located in coding exon 1 of the AXIN2 gene, results from an in-frame deletion of CACCAAACCCATGC and insertion of GT at nucleotide positions 135 to 148. This results in the substitution of the TKPMP residues at codons 46-50 for a serine residue, an amino acid with highly similar properties. This amino acid region is not well conserved in available vertebrate species. In addition, this alteration is predicted to be deleterious by in silico analysis (Choi Y et al. PLoS ONE. 2012; 7(10):e46688). Since supporting evidence is limited at this time, the clinical significance of this alteration remains unclear.

NM_004655.4(AXIN2):c.135_148delinsGT (p.Thr46_Pro50delinsSer)

Gene: AXIN2 (axin 2; minus strand). Cytogenetic location: 17q24.1.
Variant type: Indel.
Coding change: c.135_148delinsGT on transcript NM_004655.4 (MANE Select); coding-DNA positions 135 to 148, CACCAAACCCATGC replaced by GT.
Protein change: p.Thr46_Pro50delinsSer.
Molecular consequence: inframe indel.
Genome position (GRCh38, 1-based): chr17:65,558,473-65,558,486, GCATGGGTTTGGTG replaced by AC on the plus strand (CACCAAACCCATGC replaced by GT on the coding strand, the reverse complement: AXIN2 is on the minus strand). VCF-style: chr17-65558473-GCATGGGTTTGGTG-AC. GRCh37 (hg19) VCF-style: chr17-63554591-GCATGGGTTTGGTG-AC.
Other names: c.135_148delinsGT, p.Thr46_Pro50delinsSer (NM_001363813.1); c.135_148del14insGT (NM_004655.3).
Identifiers: ClinVar variation 3224362 (VCV003224362.2), dbSNP rs2544254667, ClinGen allele CA2825002599.